The following is an entry in ClinVar:

ClinVar aggregate classification (germline): Uncertain significance (1 of 4 stars; one submission).

Conditions:
Hereditary cancer-predisposing syndrome. Also called: Tumor predisposition; Hereditary neoplastic syndrome; Neoplastic Syndromes, Hereditary; Hereditary Cancer Syndrome. Identifiers: Orphanet 140162, MedGen C0027672, MeSH D009386, MONDO:0015356.

Submission:

Ambry Genetics
Classification: Uncertain significance for Hereditary cancer-predisposing syndrome. Last evaluated: 2025-05-27. Review status: criteria provided, single submitter. Criteria: Ambry Variant Classification Scheme 2023. Collection method: clinical testing. Allele origin: germline.
Comment: The p.L129I variant (also known as c.385T>A), located in coding exon 4 of the BMPR1A gene, results from a T to A substitution at nucleotide position 385. The leucine at codon 129 is replaced by isoleucine, an amino acid with highly similar properties. This variant was reported in individual(s) with features consistent with BMPR1A-related juvenile polyposis syndrome (Ngeow J et al. Gastroenterology, 2013 Jun;144:1402-9, 1409.e1-5; Ambry internal data).This amino acid position is not well conserved in available vertebrate species. In addition, the in silico prediction for this alteration is inconclusive. Based on the available evidence, the clinical significance of this variant remains unclear.

Literature cited by the submitters: PubMed 23399955.

NM_004329.3(BMPR1A):c.385T>A (p.Leu129Ile)

Gene: BMPR1A (bone morphogenetic protein receptor type 1A; plus strand). Cytogenetic location: 10q23.2.
Variant type: single nucleotide variant.
Coding change: c.385T>A on transcript NM_004329.3 (MANE Select); coding-DNA position 385, T replaced by A.
Protein change: p.Leu129Ile; replaces leucine 129 with isoleucine.
Molecular consequence: missense variant. On other transcripts: non-coding transcript variant (3), intron variant (1).
Genome position (GRCh38, 1-based): chr10:86,899,845, T>A. VCF-style: chr10-86899845-T-A. GRCh37 (hg19) VCF-style: chr10-88659602-T-A.
Other names: c.385T>A, p.Leu129Ile (NM_001406578.1, NM_001406579.1, NM_001406580.1 and 22 more transcripts); c.301T>A, p.Leu101Ile (NM_001406584.1, NM_001406585.1, NM_001406586.1 and 2 more transcripts); c.333+7616T>A (NM_001406589.1); short protein forms L101I, L129I.
Identifiers: ClinVar variation 3992030 (VCV003992030.1).